The following is an entry in ClinVar:

ClinVar aggregate classification (germline): Uncertain significance (0 of 4 stars; one submission).

Conditions:
Cerebellar atrophy with seizures and variable developmental delay. Identifiers: MedGen C5193132, MONDO:0032788, OMIM 618501.

Submission:

Pediatric Metabolism Laboratory, Institute of Child Health, Hacettepe University
Classification: Uncertain significance for Cerebellar atrophy with seizures and variable developmental delay. Review status: no assertion criteria provided. Collection method: clinical testing. Allele origin: germline. Inheritance: Autosomal recessive inheritance. Affected: yes. Observed: 1 homozygote.
Comment: Different types of mutations have been reported in HEATR5B gene(Ghosh et al.2021) and associated with a neurological syndrome with pontocerebellar hypoplasia. The variant is absent in general population and In silico analyses suggets that this variant is a deleterous splice site effect.

NM_019024.3(HEATR5B):c.4905+3A>G

Gene: HEATR5B (HEAT repeat containing 5B; minus strand). Cytogenetic location: 2p22.2.
Variant type: single nucleotide variant.
Coding change: c.4905+3A>G on transcript NM_019024.3 (MANE Select); 3 bases into the intron after coding-DNA position 4905, A replaced by G.
Molecular consequence: intron variant.
Genome position (GRCh38, 1-based): chr2:37,005,629, T>C on the plus strand (A>G on the coding strand, the complement: HEATR5B is on the minus strand). VCF-style: chr2-37005629-T-C. GRCh37 (hg19) VCF-style: chr2-37232772-T-C.
Identifiers: ClinVar variation 2506452 (VCV002506452.2), dbSNP rs1667364188, ClinGen allele CA2580611621.